The following is an entry in ClinVar:

NM_198576.4(AGRN):c.2611G>T (p.Gly871Trp)

Gene: AGRN (agrin; plus strand). Cytogenetic location: 1p36.33.
Variant type: single nucleotide variant.
Coding change: c.2611G>T on transcript NM_198576.4 (MANE Select); coding-DNA position 2611, G replaced by T.
Protein change: p.Gly871Trp; replaces glycine 871 with tryptophan.
Molecular consequence: missense variant.
Genome position (GRCh38, 1-based): chr1:1,045,807, G>T. VCF-style: chr1-1045807-G-T. GRCh37 (hg19) VCF-style: chr1-981187-G-T.
Other names: c.2611G>T, p.Gly871Trp (NM_001305275.2); c.2296G>T, p.Gly766Trp (NM_001364727.2); c.2611G>T (NM_198576.3); short protein forms G766W, G871W.
Identifiers: ClinVar variation 1991535 (VCV001991535.5), dbSNP rs756920232, ClinGen allele CA337841498.

ClinVar aggregate classification (germline): Uncertain significance. Review status: criteria provided, multiple submitters, no conflicts (2 of 4 stars). 2 submissions from 2 submitters: Uncertain significance (2). Last evaluated 2025-08-24.

Conditions:
Congenital myasthenic syndrome 8. Also called: MYASTHENIC SYNDROME, CONGENITAL, DUE TO AGRIN DEFICIENCY; Myasthenic syndrome, congenital, 8, with pre- and postsynaptic defects. Identifiers: Orphanet 590, MedGen C3808739, MONDO:0014052, OMIM 615120.
Inborn genetic diseases. Identifiers: MedGen C0950123, MeSH D030342.

gnomAD v4.1: 11 of 1,612,896 alleles (0.00068%); highest among the groups gnomAD compares: African/African-American, 0.0093%; no homozygotes.

Submissions (2):

Ambry Genetics
Classification: Uncertain significance for Inborn genetic diseases. Last evaluated: 2025-08-24. Review status: criteria provided, single submitter. Criteria: Ambry Variant Classification Scheme 2023. Collection method: clinical testing. Allele origin: germline.

Labcorp Genetics (formerly Invitae), Labcorp
Classification: Uncertain significance for Congenital myasthenic syndrome 8. Last evaluated: 2022-08-05. Review status: criteria provided, single submitter. Criteria: Invitae Variant Classification Sherloc (09022015). Collection method: clinical testing. Allele origin: germline.
Comment: In summary, the available evidence is currently insufficient to determine the role of this variant in disease. Therefore, it has been classified as a Variant of Uncertain Significance. Algorithms developed to predict the effect of missense changes on protein structure and function are either unavailable or do not agree on the potential impact of this missense change (SIFT: "Deleterious"; PolyPhen-2: "Probably Damaging"; Align-GVGD: "Class C15"). This variant has not been reported in the literature in individuals affected with AGRN-related conditions. This variant is present in population databases (no rsID available, gnomAD 0.01%). This sequence change replaces glycine, which is neutral and non-polar, with tryptophan, which is neutral and slightly polar, at codon 871 of the AGRN protein (p.Gly871Trp).